The following is an entry in ClinVar:

NM_001330177.2(PCNX4):c.2099A>G (p.Asp700Gly)

Gene: PCNX4 (pecanex 4; plus strand). Cytogenetic location: 14q23.1.
Variant type: single nucleotide variant.
Coding change: c.2099A>G on transcript NM_001330177.2 (MANE Select); coding-DNA position 2099, A replaced by G.
Protein change: p.Asp700Gly; replaces aspartic acid 700 with glycine.
Molecular consequence: missense variant.
Genome position (GRCh38, 1-based): chr14:60,124,270, A>G. VCF-style: chr14-60124270-A-G. GRCh37 (hg19) VCF-style: chr14-60590988-A-G.
Other names: c.1397A>G, p.Asp466Gly (NM_022495.5); short protein forms D466G, D700G.
Identifiers: ClinVar variation 5039416 (VCV005039416.1).

ClinVar aggregate classification (germline): Likely benign (1 of 4 stars; one submission).

gnomAD v4.1: 202 of 1,605,490 alleles (0.013%); highest among the groups gnomAD compares: Admixed American, 0.33%; no homozygotes.

Submission:

CeGaT Center for Human Genetics Tuebingen
Classification: Likely benign. Last evaluated: 2026-07-01. Review status: criteria provided, single submitter. Criteria: CeGaT Center For Human Genetics Tuebingen Variant Classification Criteria Version 2. Collection method: clinical testing. Allele origin: germline. Affected: yes. Observed: 1 variant allele.
Comment: PCNX4: BP4